The following is an entry in ClinVar:

ClinVar aggregate classification (germline): Uncertain significance (1 of 4 stars; one submission).

Conditions:
FG syndrome (FGS). Identifiers: MedGen C0220769, MONDO:0002010.

Submission:

Labcorp Genetics (formerly Invitae), Labcorp
Classification: Uncertain significance for FG syndrome. Last evaluated: 2024-03-19. Review status: criteria provided, single submitter. Criteria: Invitae Variant Classification Sherloc (09022015). Collection method: clinical testing. Allele origin: germline.
Comment: This sequence change replaces threonine, which is neutral and polar, with serine, which is neutral and polar, at codon 187 of the MED12 protein (p.Thr187Ser). This variant is not present in population databases (gnomAD no frequency). This variant has not been reported in the literature in individuals affected with MED12-related conditions. Advanced modeling of protein sequence and biophysical properties (such as structural, functional, and spatial information, amino acid conservation, physicochemical variation, residue mobility, and thermodynamic stability) performed at Invitae indicates that this missense variant is expected to disrupt MED12 protein function with a positive predictive value of 95%. In summary, the available evidence is currently insufficient to determine the role of this variant in disease. Therefore, it has been classified as a Variant of Uncertain Significance.

NM_005120.3(MED12):c.559A>T (p.Thr187Ser)

Gene: MED12 (mediator complex subunit 12; plus strand). Cytogenetic location: Xq13.1.
Variant type: single nucleotide variant.
Coding change: c.559A>T on transcript NM_005120.3 (MANE Select); coding-DNA position 559, A replaced by T.
Protein change: p.Thr187Ser; replaces threonine 187 with serine.
Molecular consequence: missense variant.
Genome position (GRCh38, 1-based): chrX:71,120,976, A>T. VCF-style: chrX-71120976-A-T. GRCh37 (hg19) VCF-style: chrX-70340826-A-T.
Other names: short protein forms T187S.
Identifiers: ClinVar variation 3668757 (VCV003668757.2).
Genomic context (GRCh38, chrX:71,120,976, plus strand): 5'-GATATTCTAAGCAGAAGGATAGTATCAAATAGCCCTTTTTCCCTCTTTCCTCCAGAATGG[A>T]CTCAGATCATCACCAAGTACTTATGGGAGCAGTTACAGAAGATGGCTGAATACTACCGGC-3'
Protein context (NP_005111.2, residues 177-197): KRHVDPFMEW[Thr187Ser]QIITKYLWEQ